The following is an entry in ClinVar:

ClinVar aggregate classification (germline): Uncertain significance (1 of 4 stars; one submission).

Conditions:
Coronary heart disease, susceptibility to, 7. Identifiers: MedGen C1970441, MONDO:0012585, OMIM 610938.
Platelet-type bleeding disorder 10. Also called: CD36 DEFICIENCY. Identifiers: MedGen C1842090, MONDO:0012031, OMIM 608404.
Malaria, susceptibility to. Identifiers: Orphanet 673, MedGen C1970028, MONDO:0021024, OMIM 611162.

Submission:

Juno Genomics, Hangzhou Juno Genomics, Inc
Classification: Uncertain significance for Coronary heart disease, susceptibility to, 7; Malaria, susceptibility to; Platelet-type bleeding disorder 10. Review status: criteria provided, single submitter. Criteria: ACMG Guidelines, 2015. Collection method: clinical testing. Allele origin: germline.
Comment: Absent from controls (or at extremely low frequency if recessive) in Genome Aggregation Database.;Null variant in a gene where loss of function (LOF) is a known mechanism of disease.

NM_001001548.3(CD36):c.1313_1316dup (p.Leu440fs)

Gene: CD36 (CD36 molecule (CD36 blood group); plus strand). Cytogenetic location: 7q21.11.
Variant type: Duplication.
Coding change: c.1313_1316dup on transcript NM_001001548.3 (MANE Select); coding-DNA positions 1313 to 1316, 4 bases duplicated (TAAA; older notation c.1313_1316dupTAAA).
Protein change: p.Leu440fs; shifts the reading frame from leucine 440.
Molecular consequence: frameshift variant. On other transcripts: non-coding transcript variant (1).
Genome position (GRCh38, 1-based): chr7:80,674,041-80,674,044, TAAA duplicated; duplicating any 4 consecutive bases within chr7:80,674,038-80,674,044 gives the same sequence; the c. name uses the placement nearest the transcript's 3' end. VCF-style (leftmost placement, unchanged base first): chr7-80674037-A-AAAAT. GRCh37 (hg19) VCF-style: chr7-80303353-A-AAAAT.
Other names: c.1313_1316dup, p.Leu440fs (NM_000072.3, NM_001001547.3, NM_001127443.2 and 5 more transcripts); c.1196_1199dup, p.Leu401fs (NM_001289908.1); c.1133_1136dup, p.Leu380fs (NM_001289909.1); c.1085_1088dup, p.Leu364fs (NM_001289911.2); c.1211_1214dup, p.Leu406fs (NM_001371079.1); c.848_851dup, p.Leu285fs (NM_001371080.1, NM_001371081.1); short protein forms L285fs, L364fs, L380fs, L401fs, L406fs, L440fs.
Identifiers: ClinVar variation 3382270 (VCV003382270.4).